The following is an entry in ClinVar:

ClinVar aggregate classification (germline): Uncertain significance (1 of 4 stars; one submission).

Conditions:
Very long chain acyl-CoA dehydrogenase deficiency (ACADVLD). Also called: Very Long-Chain Acyl-Coenzyme A Dehydrogenase Deficiency; VLCAD Deficiency. Identifiers: Orphanet 26793, MedGen C3887523, MONDO:0008723, OMIM 201475.

Submission:

Wong Mito Lab, Molecular and Human Genetics, Baylor College of Medicine
Classification: Uncertain significance for Very long chain acyl-CoA dehydrogenase deficiency. Last evaluated: 2019-11-01. Review status: criteria provided, single submitter. Criteria: ACMG Guidelines, 2015. Collection method: clinical testing. Allele origin: germline.
Comment: The NM_000018.3:c.808C>T (NP_000009.1:p.Pro270Ser) [GRCH38: NC_000017.11:g.7222232C>T] variant in ACADVL gene is interpretated to be Uncertain Significance based on ACMG guidelines (PMID: 25741868). This variant has been reported. This variant dose not meet any evidence codes reported in the ACMG guidelines.

NM_000018.4(ACADVL):c.808C>T (p.Pro270Ser)

Gene: ACADVL (acyl-CoA dehydrogenase very long chain; plus strand). Cytogenetic location: 17p13.1.
Variant type: single nucleotide variant.
Coding change: c.808C>T on transcript NM_000018.4 (MANE Select); coding-DNA position 808, C replaced by T.
Protein change: p.Pro270Ser; replaces proline 270 with serine.
Molecular consequence: missense variant.
Genome position (GRCh38, 1-based): chr17:7,222,232, C>T. VCF-style: chr17-7222232-C-T. GRCh37 (hg19) VCF-style: chr17-7125551-C-T.
Other names: c.742C>T, p.Pro248Ser (NM_001033859.3); c.877C>T, p.Pro293Ser (NM_001270447.2); c.580C>T, p.Pro194Ser (NM_001270448.2); short protein forms P248S, P293S, P194S, P270S.
Identifiers: ClinVar variation 932755 (VCV000932755.2), dbSNP rs2071266963, ClinGen allele CA397723734.